The following is an entry in ClinVar:

NM_182760.4(SUMF1):c.908C>G (p.Ser303Ter)

Gene: SUMF1 (sulfatase modifying factor 1; minus strand). Cytogenetic location: 3p26.1.
Variant type: single nucleotide variant.
Coding change: c.908C>G on transcript NM_182760.4 (MANE Select); coding-DNA position 908, C replaced by G.
Protein change: p.Ser303Ter; replaces serine 303 with a stop codon.
Molecular consequence: nonsense.
Genome position (GRCh38, 1-based): chr3:4,410,911, G>C on the plus strand (C>G on the coding strand, the complement: SUMF1 is on the minus strand). VCF-style: chr3-4410911-G-C. GRCh37 (hg19) VCF-style: chr3-4452595-G-C.
Other names: c.833C>G, p.Ser278Ter (NM_001164674.2); c.908C>G, p.Ser303Ter (NM_001164675.2); short protein forms S303*, S278*.
Identifiers: ClinVar variation 2095730 (VCV002095730.4), dbSNP rs2469825743, ClinGen allele CA351631281.

ClinVar aggregate classification (germline): Pathogenic (1 of 4 stars; one submission).

Conditions:
Multiple sulfatase deficiency (MSD). Also called: Mucosulfatidosis; Multiple Sulfatase Deficiency Disease; Sulfatidosis, Juvenile, Austin Type. Identifiers: Orphanet 585, MedGen C0268263, MONDO:0010088, OMIM 272200.

Submission:

Labcorp Genetics (formerly Invitae), Labcorp
Classification: Pathogenic for Multiple sulfatase deficiency. Last evaluated: 2022-02-09. Review status: criteria provided, single submitter. Criteria: Invitae Variant Classification Sherloc (09022015). Collection method: clinical testing. Allele origin: germline.
Comment: This sequence change creates a premature translational stop signal (p.Ser303*) in the SUMF1 gene. It is expected to result in an absent or disrupted protein product. Loss-of-function variants in SUMF1 are known to be pathogenic (PMID: 12757705, 12757706, 25885655). This variant is not present in population databases (gnomAD no frequency). This variant has not been reported in the literature in individuals affected with SUMF1-related conditions. For these reasons, this variant has been classified as Pathogenic.

Literature cited by the submitters: PubMed 12757705; PubMed 12757706; PubMed 25885655.